The following is an entry in ClinVar:

NM_022821.4(ELOVL1):c.302G>A (p.Ser101Asn)

Gene: ELOVL1 (ELOVL fatty acid elongase 1; minus strand). Cytogenetic location: 1p34.2.
Variant type: single nucleotide variant.
Coding change: c.302G>A on transcript NM_022821.4 (MANE Select); coding-DNA position 302, G replaced by A.
Protein change: p.Ser101Asn; replaces serine 101 with asparagine.
Molecular consequence: missense variant. On other transcripts: non-coding transcript variant (1), intron variant (1).
Genome position (GRCh38, 1-based): chr1:43,364,944, C>T on the plus strand (G>A on the coding strand, the complement: ELOVL1 is on the minus strand). VCF-style: chr1-43364944-C-T. GRCh37 (hg19) VCF-style: chr1-43830615-C-T.
Other names: c.302G>A, p.Ser101Asn (NM_001256399.2); c.59G>A, p.Ser20Asn (NM_001256402.2); c.238-150G>A (NM_001256401.2); short protein forms S20N, S101N.
Identifiers: ClinVar variation 2062099 (VCV002062099.4), dbSNP rs1415826596, ClinGen allele CA340016318.

ClinVar aggregate classification (germline): Uncertain significance (1 of 4 stars; one submission).

gnomAD v4.1: 1 of 1,613,974 alleles (0.000062%); highest among the groups gnomAD compares: Admixed American, 0.0017%; no homozygotes.

Submission:

Labcorp Genetics (formerly Invitae), Labcorp
Classification: Uncertain significance. Last evaluated: 2022-06-14. Review status: criteria provided, single submitter. Criteria: Invitae Variant Classification Sherloc (09022015). Collection method: clinical testing. Allele origin: germline.
Comment: This sequence change replaces serine, which is neutral and polar, with asparagine, which is neutral and polar, at codon 101 of the ELOVL1 protein (p.Ser101Asn). This variant is not present in population databases (gnomAD no frequency). This variant has not been reported in the literature in individuals affected with ELOVL1-related conditions. Algorithms developed to predict the effect of missense changes on protein structure and function output the following: SIFT: "Tolerated"; PolyPhen-2: "Benign"; Align-GVGD: "Class C0". The asparagine amino acid residue is found in multiple mammalian species, which suggests that this missense change does not adversely affect protein function. In summary, the available evidence is currently insufficient to determine the role of this variant in disease. Therefore, it has been classified as a Variant of Uncertain Significance.